The following is an entry in ClinVar:

ClinVar aggregate classification (germline): Uncertain significance (1 of 4 stars; one submission).

Conditions:
Kleefstra syndrome 1 (KLEFS1). Identifiers: Orphanet 261494, MedGen C0795833, MONDO:0027407, OMIM 610253.

gnomAD v4.1: 1 of 1,610,482 alleles (0.000062%); highest among the groups gnomAD compares: Non-Finnish European, 0.000085%; no homozygotes.

Submission:

Labcorp Genetics (formerly Invitae), Labcorp
Classification: Uncertain significance for Kleefstra syndrome 1. Last evaluated: 2025-05-18. Review status: criteria provided, single submitter. Criteria: Invitae Variant Classification Sherloc (09022015). Collection method: clinical testing. Allele origin: germline.
Comment: This sequence change replaces aspartic acid, which is acidic and polar, with asparagine, which is neutral and polar, at codon 1013 of the EHMT1 protein (p.Asp1013Asn). This variant is not present in population databases (gnomAD no frequency). This variant has not been reported in the literature in individuals affected with EHMT1-related conditions. An algorithm developed to predict the effect of missense changes on protein structure and function (PolyPhen-2) suggests that this variant is likely to be disruptive. In summary, the available evidence is currently insufficient to determine the role of this variant in disease. Therefore, it has been classified as a Variant of Uncertain Significance.

NM_024757.5(EHMT1):c.3037G>A (p.Asp1013Asn)

Gene: EHMT1 (euchromatic histone lysine methyltransferase 1; plus strand). Cytogenetic location: 9q34.3.
Variant type: single nucleotide variant.
Coding change: c.3037G>A on transcript NM_024757.5 (MANE Select); coding-DNA position 3037, G replaced by A.
Protein change: p.Asp1013Asn; replaces aspartic acid 1013 with asparagine.
Molecular consequence: missense variant.
Genome position (GRCh38, 1-based): chr9:137,813,387, G>A. VCF-style: chr9-137813387-G-A. GRCh37 (hg19) VCF-style: chr9-140707839-G-A.
Other names: c.3016G>A, p.Asp1006Asn (NM_001354263.2); short protein forms D1013N, D1006N.
Identifiers: ClinVar variation 4719340 (VCV004719340.1).